The following is an entry in ClinVar:

ClinVar aggregate classification (germline): Conflicting classifications of pathogenicity. Review status: criteria provided, conflicting classifications (1 of 4 stars). 3 submissions from 3 submitters: Uncertain significance (2); Likely benign (1). Last evaluated 2026-04-03.

Conditions:
Cardiovascular phenotype. Identifiers: MedGen CN230736.

Allele frequency attached by ClinVar (database versions not stated): gnomAD 0.00001; gnomAD exomes 0.00002; ExAC 0.00013; ESP Exome Variant Server 0.00017.
gnomAD v4.1: 18 of 1,548,868 alleles (0.0012%); highest among the groups gnomAD compares: South Asian, 0.0047%; no homozygotes.

Submissions (3):

Women's Health and Genetics/Laboratory Corporation of America, LabCorp
Classification: Uncertain significance. Last evaluated: 2026-04-03. Review status: criteria provided, single submitter. Criteria: LabCorp Variant Classification Summary - May 2015. Collection method: clinical testing. Allele origin: germline.
Comment: Variant summary: TNXB c.1132C>T (p.Arg378Trp) results in a non-conservative amino acid change in the encoded protein sequence. Algorithms developed to predict the effect of missense changes on protein structure and function are either unavailable or do not agree on the potential impact of this missense change. The variant allele was found at a frequency of 2e-05 in 148274 control chromosomes. The available data on variant occurrences in the general population are insufficient to allow any conclusion about variant significance. To our knowledge, no occurrence of c.1132C>T in individuals affected with TNXB-related conditions and no experimental evidence demonstrating its impact on protein function have been reported. ClinVar contains an entry for this variant (Variation ID: 1301239). Based on the evidence outlined above, the variant was classified as uncertain significance.

Ambry Genetics
Classification: Likely benign for Cardiovascular phenotype. Last evaluated: 2025-03-20. Review status: criteria provided, single submitter. Criteria: Ambry Variant Classification Scheme 2023. Collection method: clinical testing. Allele origin: germline.

GeneDx
Classification: Uncertain significance. Last evaluated: 2021-04-01. Review status: criteria provided, single submitter. Criteria: GeneDx Variant Classification Process June 2021. Collection method: clinical testing. Allele origin: germline. Affected: yes.
Comment: Has not been previously published as pathogenic or benign to our knowledge; Not observed at a significant frequency in large population cohorts (Lek et al., 2016); In silico analysis supports that this missense variant has a deleterious effect on protein structure/function

NM_001365276.2(TNXB):c.1132C>T (p.Arg378Trp)

Gene: TNXB (tenascin XB; minus strand). Cytogenetic location: 6p21.33.
Variant type: single nucleotide variant.
Coding change: c.1132C>T on transcript NM_001365276.2 (MANE Select); coding-DNA position 1132, C replaced by T.
Protein change: p.Arg378Trp; replaces arginine 378 with tryptophan.
Molecular consequence: missense variant.
Genome position (GRCh38, 1-based): chr6:32,096,721, G>A on the plus strand (C>T on the coding strand, the complement: TNXB is on the minus strand). VCF-style: chr6-32096721-G-A. GRCh37 (hg19) VCF-style: chr6-32064498-G-A.
Other names: c.1132C>T, p.Arg378Trp (NM_019105.8); short protein forms R378W.
Identifiers: ClinVar variation 1301239 (VCV001301239.6), dbSNP rs372983350, ClinGen allele CA3735727.